The following is an entry in ClinVar:

NM_001385875.1(ZFYVE27):c.1089+3G>A

Gene: ZFYVE27 (zinc finger FYVE-type containing 27; plus strand). Cytogenetic location: 10q24.2.
Variant type: single nucleotide variant.
Coding change: c.1089+3G>A on transcript NM_001385875.1 (MANE Select); 3 bases into the intron after coding-DNA position 1089, G replaced by A.
Molecular consequence: intron variant.
Genome position (GRCh38, 1-based): chr10:97,757,314, G>A. VCF-style: chr10-97757314-G-A. GRCh37 (hg19) VCF-style: chr10-99517071-G-A.
Other names: c.1122+3G>A (NM_001385876.1); c.1104+3G>A (NM_001385871.1, NM_001002261.4); c.1083+3G>A (NM_001385879.1, NM_001385878.1, NM_001385882.1); c.1089+3G>A (NM_144588.7); c.1068+3G>A (NM_001002262.4, NM_001385880.1, NM_001385881.1 and 2 more transcripts); c.846+3G>A (NM_001385903.1, NM_001385902.1, NM_001385904.1 and 1 more transcripts); c.852+3G>A (NM_001385899.1, NM_001385900.1); c.831+3G>A (NM_001385908.1, NM_001385905.1, NM_001385906.1); and 14 more.
Identifiers: ClinVar variation 301839 (VCV000301839.15), dbSNP rs556454107, ClinGen allele CA5635441.

ClinVar aggregate classification (germline): Benign. Review status: criteria provided, multiple submitters, no conflicts (2 of 4 stars). 3 submissions from 3 submitters: Benign (3). Last evaluated 2025-08-11.

Conditions:
Spastic paraplegia. Identifiers: MedGen C0037772, HP:0001258.
Hereditary spastic paraplegia 33. Also called: SPASTIC PARAPLEGIA 33, AUTOSOMAL DOMINANT. Identifiers: MedGen C1853251, MONDO:0012448, OMIM 610244.

Allele frequency attached by ClinVar (database versions not stated): gnomAD below 0.00001 and 0.00038; TOPMed 0.00009; gnomAD exomes 0.00076 and 0.00152; 1000 Genomes Project 0.00100; 1000 Genomes Project 30x 0.00109; ExAC 0.00166.
gnomAD v4.1: 1,175 of 1,614,156 alleles (0.073%); highest among the groups gnomAD compares: South Asian, 1.2%; 12 homozygotes.

Submissions (3):

Labcorp Genetics (formerly Invitae), Labcorp
Classification: Benign for Spastic paraplegia. Last evaluated: 2025-08-11. Review status: criteria provided, single submitter. Criteria: Invitae Variant Classification Sherloc (09022015). Collection method: clinical testing. Allele origin: germline.

Genome-Nilou Lab
Classification: Benign for Hereditary spastic paraplegia 33. Last evaluated: 2021-12-05. Review status: criteria provided, single submitter. Criteria: ACMG Guidelines, 2015. Collection method: clinical testing. Allele origin: germline. Affected: no.

Illumina Laboratory Services, Illumina
Classification: Benign for Hereditary spastic paraplegia 33. Last evaluated: 2018-01-12. Review status: criteria provided, single submitter. Criteria: ICSL Variant Classification Criteria 13 December 2019. Collection method: clinical testing. Allele origin: germline.
Comment: This variant was observed in the ICSL laboratory as part of a predisposition screen in an ostensibly healthy population. It had not been previously curated by ICSL or reported in the Human Gene Mutation Database (HGMD: prior to June 1st, 2018), and was therefore a candidate for classification through an automated scoring system. Utilizing variant allele frequency, disease prevalence and penetrance estimates, and inheritance mode, an automated score was calculated to assess if this variant is too frequent to cause the disease. Based on the score and internal cut-off values, a variant classified as benign is not then subjected to further curation. The score for this variant resulted in a classification of benign for this disease.